The following is an entry in ClinVar:

ClinVar aggregate classification (germline): Uncertain significance. Review status: criteria provided, multiple submitters, no conflicts (2 of 4 stars). 3 submissions from 3 submitters: Uncertain significance (3). Last evaluated 2025-06-13.

Conditions:
Familial temporal lobe epilepsy 7. Identifiers: Orphanet 101046, MedGen C4225327, MONDO:0014639, OMIM 616436.
Norman-Roberts syndrome (LIS2). Also called: Lissencephaly 2 (Norman-Roberts type). Identifiers: Orphanet 89844, MedGen C0796089, MONDO:0009760, OMIM 257320.
Inborn genetic diseases. Identifiers: MedGen C0950123, MeSH D030342.

Allele frequency attached by ClinVar (database versions not stated): gnomAD exomes below 0.00001 and 0.00002; gnomAD 0.00001; TOPMed 0.00002.
gnomAD v4.1: 38 of 1,613,870 alleles (0.0024%); highest among the groups gnomAD compares: Non-Finnish European, 0.0029%; no homozygotes.

Submissions (3):

Labcorp Genetics (formerly Invitae), Labcorp
Classification: Uncertain significance for Familial temporal lobe epilepsy 7; Norman-Roberts syndrome. Last evaluated: 2025-06-13. Review status: criteria provided, single submitter. Criteria: Invitae Variant Classification Sherloc (09022015). Collection method: clinical testing. Allele origin: germline.
Comment: This sequence change replaces serine, which is neutral and polar, with glycine, which is neutral and non-polar, at codon 778 of the RELN protein (p.Ser778Gly). This variant is present in population databases (rs765589329, gnomAD 0.0009%). This variant has not been reported in the literature in individuals affected with RELN-related conditions. ClinVar contains an entry for this variant (Variation ID: 426483). Invitae Evidence Modeling of protein sequence and biophysical properties (such as structural, functional, and spatial information, amino acid conservation, physicochemical variation, residue mobility, and thermodynamic stability) indicates that this missense variant is not expected to disrupt RELN protein function with a negative predictive value of 80%. In summary, the available evidence is currently insufficient to determine the role of this variant in disease. Therefore, it has been classified as a Variant of Uncertain Significance.

Ambry Genetics
Classification: Uncertain significance for Inborn genetic diseases. Last evaluated: 2022-12-15. Review status: criteria provided, single submitter. Criteria: Ambry Variant Classification Scheme 2023. Collection method: clinical testing. Allele origin: germline.

GeneDx
Classification: Uncertain significance. Last evaluated: 2017-04-14. Review status: criteria provided, single submitter. Criteria: GeneDx Variant Classification (06012015). Collection method: clinical testing. Allele origin: germline. Affected: yes.
Comment: A variant of uncertain significance has been identified in the RELN gene. The c.2332 A>G variant has not been published as a pathogenic variant, nor has it been reported as a benign variant to our knowledge. The c.2332 A>G variant is not observed in large population cohorts (Lek et al., 2016; 1000 Genomes Consortium et al., 2015; Exome Variant Server). Several in-silico splice prediction models predict that c.2332 A>G creates a strong cryptic acceptor site for intron 18 which may supplant the natural acceptor site and lead to abnormal gene splicing. However, in the absence of RNA/functional studies, the actual effect of this sequence change in this individual is unknown. If c.2332 A>G does not alter splicing, it will result in the S778G missense change. The S778G variant is a non-conservative amino acid substitution, which is likely to impact secondary protein structure as these residues differ in polarity, charge, size and/or other properties. This substitution occurs at a position that is conserved across species. However, in silico analysis is inconsistent in its predictions as to whether or not the variant is damaging to the protein structure/function. Therefore, based on the currently available information, it is unclear whether this variant is a pathogenic variant or a rare benign variant.

NM_005045.4(RELN):c.2332A>G (p.Ser778Gly)

Gene: RELN (reelin; minus strand). Cytogenetic location: 7q22.1.
Variant type: single nucleotide variant.
Coding change: c.2332A>G on transcript NM_005045.4 (MANE Select); coding-DNA position 2332, A replaced by G.
Protein change: p.Ser778Gly; replaces serine 778 with glycine.
Molecular consequence: missense variant.
Genome position (GRCh38, 1-based): chr7:103,635,558, T>C on the plus strand (A>G on the coding strand, the complement: RELN is on the minus strand). VCF-style: chr7-103635558-T-C. GRCh37 (hg19) VCF-style: chr7-103276005-T-C.
Other names: c.2332A>G, p.Ser778Gly (NM_173054.3); short protein forms S778G.
Identifiers: ClinVar variation 426483 (VCV000426483.5), dbSNP rs765589329, ClinGen allele CA163925665.